The following is an entry in ClinVar:

NM_014915.3(ANKRD26):c.1582G>C (p.Val528Leu)

Gene: ANKRD26 (ankyrin repeat domain containing 26; minus strand). Cytogenetic location: 10p12.1.
Variant type: single nucleotide variant.
Coding change: c.1582G>C on transcript NM_014915.3 (MANE Select); coding-DNA position 1582, G replaced by C.
Protein change: p.Val528Leu; replaces valine 528 with leucine.
Molecular consequence: missense variant.
Genome position (GRCh38, 1-based): chr10:27,053,373, C>G on the plus strand (G>C on the coding strand, the complement: ANKRD26 is on the minus strand). VCF-style: chr10-27053373-C-G. GRCh37 (hg19) VCF-style: chr10-27342302-C-G.
Other names: c.1582G>C, p.Val528Leu (NM_001256053.2); short protein forms V528L.
Identifiers: ClinVar variation 3871861 (VCV003871861.1).

ClinVar aggregate classification (germline): Uncertain significance (1 of 4 stars; one submission).

Conditions:
Inborn genetic diseases. Identifiers: MedGen C0950123, MeSH D030342.

Submission:

Ambry Genetics
Classification: Uncertain significance for Inborn genetic diseases. Last evaluated: 2025-02-28. Review status: criteria provided, single submitter. Criteria: Ambry Variant Classification Scheme 2023. Collection method: clinical testing. Allele origin: germline.
Comment: The p.V528L variant (also known as c.1582G>C), located in coding exon 16 of the ANKRD26 gene, results from a G to C substitution at nucleotide position 1582. The valine at codon 528 is replaced by leucine, an amino acid with highly similar properties. This amino acid position is conserved. In addition, this alteration is predicted to be tolerated by in silico analysis. Based on the available evidence, the clinical significance of this variant remains unclear.